The following is an entry in ClinVar:

NM_000245.4(MET):c.2620G>T (p.Val874Leu)

Gene: MET (MET proto-oncogene, receptor tyrosine kinase; plus strand). Cytogenetic location: 7q31.2.
Variant type: single nucleotide variant.
Coding change: c.2620G>T on transcript NM_000245.4 (MANE Select); coding-DNA position 2620, G replaced by T.
Protein change: p.Val874Leu; replaces valine 874 with leucine.
Molecular consequence: missense variant.
Genome position (GRCh38, 1-based): chr7:116,769,681, G>T. VCF-style: chr7-116769681-G-T. GRCh37 (hg19) VCF-style: chr7-116409735-G-T.
Other names: c.2674G>T, p.Val892Leu (NM_001127500.3); c.2620G>T, p.Val874Leu (NM_001324401.3); c.1330G>T, p.Val444Leu (NM_001324402.2); short protein forms V874L, V892L, V444L.
Identifiers: ClinVar variation 3395087 (VCV003395087.1).

ClinVar aggregate classification (germline): Uncertain significance (1 of 4 stars; one submission).

Conditions:
Hereditary cancer-predisposing syndrome. Also called: Hereditary Cancer Syndrome; Tumor predisposition; Hereditary neoplastic syndrome; Neoplastic Syndromes, Hereditary. Identifiers: Orphanet 140162, MedGen C0027672, MeSH D009386, MONDO:0015356.

Submission:

Ambry Genetics
Classification: Uncertain significance for Hereditary cancer-predisposing syndrome. Last evaluated: 2024-08-07. Review status: criteria provided, single submitter. Criteria: Ambry Variant Classification Scheme 2023. Collection method: clinical testing. Allele origin: germline.
Comment: The p.V892L variant (also known as c.2674G>T), located in coding exon 11 of the MET gene, results from a G to T substitution at nucleotide position 2674. The valine at codon 892 is replaced by leucine, an amino acid with highly similar properties. This amino acid position is conserved. In addition, the in silico prediction for this alteration is inconclusive. Based on the available evidence, the clinical significance of this variant remains unclear.